The following is an entry in ClinVar:

NM_000548.5(TSC2):c.11C>T (p.Pro4Leu)

Gene: TSC2 (TSC complex subunit 2; plus strand). Cytogenetic location: 16p13.3.
Variant type: single nucleotide variant.
Coding change: c.11C>T on transcript NM_000548.5 (MANE Select); coding-DNA position 11, C replaced by T.
Protein change: p.Pro4Leu; replaces proline 4 with leucine.
Molecular consequence: missense variant. On other transcripts: 5 prime UTR variant (1), intron variant (1).
Genome position (GRCh38, 1-based): chr16:2,048,626, C>T. VCF-style: chr16-2048626-C-T. GRCh37 (hg19) VCF-style: chr16-2098627-C-T.
Other names: c.11C>T, p.Pro4Leu (NM_001077183.3, NM_001114382.3, NM_001318827.2 and 4 more transcripts); c.-216C>T (NM_001318831.2); c.44C>T, p.Pro15Leu (NM_001318832.2); c.-10+561C>T (NM_001318829.2); short protein forms P4L, P15L.
Identifiers: ClinVar variation 658500 (VCV000658500.14), dbSNP rs147206318, ClinGen allele CA028755.
Genomic context (GRCh38, chr16:2,048,626, plus strand): 5'-ATTCCTGTTTCGTTTGCACAGAGGGGTTTTCTGGTGCGTCCTGGTCCACCATGGCCAAAC[C>T]AACAAGCAAAGATTCAGGCTTGAAGGAGAAGTTTAAGATTCTGTTGGGACTGGGAACACC-3'
Protein context (NP_000539.2, residues 1-14): MAK[Pro4Leu]TSKDSGLKEK

ClinVar aggregate classification (germline): Conflicting classifications of pathogenicity. Review status: criteria provided, conflicting classifications (1 of 4 stars). 3 submissions from 3 submitters: Uncertain significance (2); Benign (1). Last evaluated 2025-05-20.

Conditions:
Hereditary cancer-predisposing syndrome. Also called: Neoplastic Syndromes, Hereditary; Hereditary neoplastic syndrome; Hereditary Cancer Syndrome; Tumor predisposition. Identifiers: Orphanet 140162, MedGen C0027672, MeSH D009386, MONDO:0015356.
Tuberous sclerosis syndrome (TSC). Also called: Tuberous sclerosis; Tuberous Sclerosis Complex. Identifiers: Orphanet 805, MedGen C0041341, MONDO:0001734.
Tuberous sclerosis 2 (TSC2). Identifiers: Orphanet 805, MedGen C1860707, MONDO:0013199, OMIM 613254.

Allele frequency attached by ClinVar (database versions not stated): gnomAD exomes below 0.00001; TOPMed below 0.00001; ExAC 0.00001; gnomAD 0.00001; ESP Exome Variant Server 0.00008.
gnomAD v4.1: 6 of 1,613,750 alleles (0.00037%); highest among the groups gnomAD compares: Non-Finnish European, 0.00051%; no homozygotes.

Submissions (3):

Color Diagnostics, LLC DBA Color Health
Classification: Uncertain significance for Tuberous sclerosis syndrome. Last evaluated: 2025-05-20. Review status: criteria provided, single submitter. Criteria: ACMG Guidelines, 2015. Collection method: clinical testing. Allele origin: germline.
Comment: This missense variant replaces proline with leucine at codon 4 of the TSC2 protein. Computational prediction suggests that this variant may not impact protein structure and function. To our knowledge, functional studies have not been reported for this variant. This variant has not been reported in individuals affected with TSC2-related disorders in the literature. This variant has been identified in 1/250912 chromosomes in the general population by the Genome Aggregation Database (gnomAD). The available evidence is insufficient to determine the role of this variant in disease conclusively. Therefore, this variant is classified as a Variant of Uncertain Significance.

Labcorp Genetics (formerly Invitae), Labcorp
Classification: Benign for Tuberous sclerosis 2. Last evaluated: 2024-08-01. Review status: criteria provided, single submitter. Criteria: Invitae Variant Classification Sherloc (09022015). Collection method: clinical testing. Allele origin: germline.

Ambry Genetics
Classification: Uncertain significance for Hereditary cancer-predisposing syndrome. Last evaluated: 2024-05-10. Review status: criteria provided, single submitter. Criteria: Ambry Variant Classification Scheme 2023. Collection method: clinical testing. Allele origin: germline.
Comment: The p.P4L variant (also known as c.11C>T), located in coding exon 1 of the TSC2 gene, results from a C to T substitution at nucleotide position 11. The proline at codon 4 is replaced by leucine, an amino acid with similar properties. This amino acid position is well conserved in available vertebrate species. In addition, the in silico prediction for this alteration is inconclusive. Based on the available evidence, the clinical significance of this variant remains unclear.